The following is an entry in ClinVar:

ClinVar aggregate classification (germline): Conflicting classifications of pathogenicity. Review status: criteria provided, conflicting classifications (1 of 4 stars). 2 submissions from 2 submitters: Uncertain significance (1); Likely benign (1). Last evaluated 2025-08-28.

Conditions:
Monilethrix. Also called: Beaded hair. Identifiers: Orphanet 573, MedGen C0546966, MONDO:0008009, HP:0032470.

Allele frequency attached by ClinVar (database versions not stated): gnomAD 0.00006 and 0.00010; TOPMed 0.00006; gnomAD exomes 0.00010 and 0.00014; ExAC 0.00012; ESP Exome Variant Server 0.00015; 1000 Genomes Project 0.00060; 1000 Genomes Project 30x 0.00062.
gnomAD v4.1: 164 of 1,613,854 alleles (0.01%); highest among the groups gnomAD compares: Middle Eastern, 0.1%; 2 homozygotes.

Submissions (2):

Ambry Genetics
Classification: Uncertain significance. Last evaluated: 2025-08-28. Review status: criteria provided, single submitter. Criteria: Ambry Variant Classification Scheme 2023. Collection method: clinical testing. Allele origin: germline.

Illumina Laboratory Services, Illumina
Classification: Likely benign for Monilethrix-1. Last evaluated: 2018-01-13. Review status: criteria provided, single submitter. Criteria: ICSL Variant Classification Criteria 13 December 2019. Collection method: clinical testing. Allele origin: germline.
Comment: This variant was observed in the ICSL laboratory as part of a predisposition screen in an ostensibly healthy population. It had not been previously curated by ICSL or reported in the Human Gene Mutation Database (HGMD: prior to June 1st, 2018), and was therefore a candidate for classification through an automated scoring system. Utilizing variant allele frequency, disease prevalence and penetrance estimates, and inheritance mode, an automated score was calculated to assess if this variant is too frequent to cause the disease. Based on the score and internal cut-off values, a variant classified as likely benign is not then subjected to further curation. The score for this variant resulted in a classification of likely benign for this disease.

NM_002282.3(KRT83):c.667G>A (p.Ala223Thr)

Gene: KRT83 (keratin 83; minus strand). Cytogenetic location: 12q13.13.
Variant type: single nucleotide variant.
Coding change: c.667G>A on transcript NM_002282.3 (MANE Select); coding-DNA position 667, G replaced by A.
Protein change: p.Ala223Thr; replaces alanine 223 with threonine.
Molecular consequence: missense variant.
Genome position (GRCh38, 1-based): chr12:52,317,764, C>T on the plus strand (G>A on the coding strand, the complement: KRT83 is on the minus strand). VCF-style: chr12-52317764-C-T. GRCh37 (hg19) VCF-style: chr12-52711548-C-T.
Other names: short protein forms A223T.
Identifiers: ClinVar variation 309524 (VCV000309524.6), dbSNP rs149581248, ClinGen allele CA6577573.
Genomic context (GRCh38, chr12:52,317,764, plus strand): 5'-AGTCAATCTCCTGGATCAGGGCCTCCACGTTGGCCTCCAGGTCTGACTTGCGGAGGTAGG[C>T]GCAGTCCACATCCTGGGTGGGGTAGAAGGGGCTGTGAGGCCGGCTTTCCTCAGAGGGCTC-3'
Protein context (NP_002273.3, residues 213-233): FVALKKDVDC[Ala223Thr]YLRKSDLEAN